The following is an entry in ClinVar:

NM_001846.4(COL4A2):c.1011+3G>A

Gene: COL4A2 (collagen type IV alpha 2 chain; plus strand). Cytogenetic location: 13q34.
Variant type: single nucleotide variant.
Coding change: c.1011+3G>A on transcript NM_001846.4 (MANE Select); 3 bases into the intron after coding-DNA position 1011, G replaced by A.
Molecular consequence: intron variant.
Genome position (GRCh38, 1-based): chr13:110,445,885, G>A. VCF-style: chr13-110445885-G-A. GRCh37 (hg19) VCF-style: chr13-111098232-G-A.
Identifiers: ClinVar variation 1959125 (VCV001959125.6), dbSNP rs374680427, ClinGen allele CA7049267.

ClinVar aggregate classification (germline): Conflicting classifications of pathogenicity. Review status: criteria provided, conflicting classifications (1 of 4 stars). 2 submissions from 2 submitters: Uncertain significance (1); Likely benign (1). Last evaluated 2024-10-16.

Allele frequency attached by ClinVar (database versions not stated): ExAC 0.00001; gnomAD exomes 0.00001; TOPMed 0.00002; ESP Exome Variant Server 0.00008.
gnomAD v4.1: 13 of 1,614,204 alleles (0.00081%); highest among the groups gnomAD compares: Non-Finnish European, 0.0011%; no homozygotes.

Submissions (2):

Labcorp Genetics (formerly Invitae), Labcorp
Classification: Uncertain significance. Last evaluated: 2024-10-16. Review status: criteria provided, single submitter. Criteria: Invitae Variant Classification Sherloc (09022015). Collection method: clinical testing. Allele origin: germline.
Comment: This sequence change falls in intron 17 of the COL4A2 gene. It does not directly change the encoded amino acid sequence of the COL4A2 protein. It affects a nucleotide within the consensus splice site. This variant is present in population databases (rs374680427, gnomAD 0.0009%). This variant has not been reported in the literature in individuals affected with COL4A2-related conditions. ClinVar contains an entry for this variant (Variation ID: 1959125). Variants that disrupt the consensus splice site are a relatively common cause of aberrant splicing (PMID: 17576681, 9536098). Algorithms developed to predict the effect of sequence changes on RNA splicing suggest that this variant is not likely to affect RNA splicing. In summary, the available evidence is currently insufficient to determine the role of this variant in disease. Therefore, it has been classified as a Variant of Uncertain Significance.

Blueprint Genetics
Classification: Likely benign. Last evaluated: 2024-05-21. Review status: criteria provided, single submitter. Criteria: ACMG Guidelines, 2015. Collection method: clinical testing. Allele origin: germline.

Literature cited by the submitters: PubMed 17576681 (cited by Labcorp Genetics (formerly Invitae), Labcorp); PubMed 9536098 (cited by Labcorp Genetics (formerly Invitae), Labcorp).